The following is an entry in ClinVar:

ClinVar aggregate classification (germline): Uncertain significance (1 of 4 stars; one submission).

Conditions:
PLXNA3-related disorder. Also called: PLXNA3-related condition.

gnomAD v4.1: 6 of 1,208,774 alleles (0.0005%); highest among the groups gnomAD compares: Non-Finnish European, 0.00067%; no homozygotes.

Submission:

PreventionGenetics, part of Exact Sciences
Classification: Uncertain significance for PLXNA3-related condition. Last evaluated: 2025-11-18. Review status: criteria provided, single submitter. Criteria: ACMG Guidelines, 2015. Collection method: clinical testing. Allele origin: germline.
Comment: The PLXNA3 c.1391G>C variant is predicted to result in the amino acid substitution p.Arg464Pro. To our knowledge, this variant has not been reported in the literature or in a large population database (gnomAD), indicating this variant is rare. At this time, the clinical significance of this variant is uncertain due to the absence of conclusive functional and genetic evidence.

NM_017514.5(PLXNA3):c.1391G>C (p.Arg464Pro)

Gene: PLXNA3 (plexin A3; plus strand). Cytogenetic location: Xq28.
Variant type: single nucleotide variant.
Coding change: c.1391G>C on transcript NM_017514.5 (MANE Select); coding-DNA position 1391, G replaced by C.
Protein change: p.Arg464Pro; replaces arginine 464 with proline.
Molecular consequence: missense variant.
Genome position (GRCh38, 1-based): chrX:154,463,464, G>C. VCF-style: chrX-154463464-G-C. GRCh37 (hg19) VCF-style: chrX-153691807-G-C.
Other names: short protein forms R464P.
Identifiers: ClinVar variation 4991779 (VCV004991779.1).
Genomic context (GRCh38, chrX:154,463,464, plus strand): 5'-GCTTCCAGGATGCCCACCTGTATGAGACAGTCCCCGTGGTGGATGGCAGCCCCATCCTCC[G>C]AGACCTGCTCTTCAGCCCGGACCACCGGCACATCTATCTCCTGAGTGAGAAGCAGGTGGG-3'
Protein context (NP_059984.3, residues 454-474): VPVVDGSPIL[Arg464Pro]DLLFSPDHRH